The following is an entry in ClinVar:

NM_014714.4(IFT140):c.4258G>A (p.Val1420Met)

Gene: IFT140 (intraflagellar transport 140; minus strand). Cytogenetic location: 16p13.3.
Variant type: single nucleotide variant.
Coding change: c.4258G>A on transcript NM_014714.4 (MANE Select); coding-DNA position 4258, G replaced by A.
Protein change: p.Val1420Met; replaces valine 1420 with methionine.
Molecular consequence: missense variant.
Genome position (GRCh38, 1-based): chr16:1,511,075, C>T on the plus strand (G>A on the coding strand, the complement: IFT140 is on the minus strand). VCF-style: chr16-1511075-C-T. GRCh37 (hg19) VCF-style: chr16-1561076-C-T.
Other names: c.4258G>A (NM_014714.3); short protein forms V1420M.
Identifiers: ClinVar variation 1985081 (VCV001985081.5), dbSNP rs748389075, ClinGen allele CA7812811.
Genomic context (GRCh38, chr16:1,511,075, plus strand): 5'-GGACCTGCTCGGGGACGGTGCGTGGCAGTGGGAGACCCAGCCCCCGGTGCACGGCGTCCA[C>T]GGCCTGCGGGCTCACGTAGTAGGACATGTTGGCCAAGGGAAGCCGCCGCCGCATCTCCTC-3'
Protein context (NP_055529.2, residues 1410-1430): NMSYYVSPQA[Val1420Met]DAVHRGLGLP

ClinVar aggregate classification (germline): Uncertain significance. Review status: criteria provided, multiple submitters, no conflicts (2 of 4 stars). 2 submissions from 2 submitters: Uncertain significance (2). Last evaluated 2026-01-12.

Conditions:
Saldino-Mainzer syndrome (SRTD9). Also called: Renal dysplasia, retinal pigmentary dystrophy, cerebellar ataxia and skeletal dysplasia; CONORENAL SYNDROME; short-rib thoracic dysplasia 9 with or without polydactyly; SHORT-RIB THORACIC DYSPLASIA 9 WITHOUT POLYDACTYLY. Identifiers: Orphanet 140969, MedGen C1849437, MONDO:0009964, OMIM 266920.
Inborn genetic diseases. Identifiers: MedGen C0950123, MeSH D030342.

Allele frequency attached by ClinVar (database versions not stated): gnomAD 0.00001; gnomAD exomes 0.00001; ExAC 0.00003; TOPMed 0.00003.
gnomAD v4.1: 14 of 1,609,036 alleles (0.00087%); highest among the groups gnomAD compares: African/African-American, 0.0027%; no homozygotes.

Submissions (2):

Labcorp Genetics (formerly Invitae), Labcorp
Classification: Uncertain significance for Saldino-Mainzer syndrome. Last evaluated: 2026-01-12. Review status: criteria provided, single submitter. Criteria: Invitae Variant Classification Sherloc (09022015). Collection method: clinical testing. Allele origin: germline.
Comment: This sequence change replaces valine, which is neutral and non-polar, with methionine, which is neutral and non-polar, at codon 1420 of the IFT140 protein (p.Val1420Met). This variant is present in population databases (rs748389075, gnomAD 0.007%). This variant has not been reported in the literature in individuals affected with IFT140-related conditions. ClinVar contains an entry for this variant (Variation ID: 1985081). Invitae Evidence Modeling of protein sequence and biophysical properties (such as structural, functional, and spatial information, amino acid conservation, physicochemical variation, residue mobility, and thermodynamic stability) indicates that this missense variant is not expected to disrupt IFT140 protein function with a negative predictive value of 95%. In summary, the available evidence is currently insufficient to determine the role of this variant in disease. Therefore, it has been classified as a Variant of Uncertain Significance.

Ambry Genetics
Classification: Uncertain significance for Inborn genetic diseases. Last evaluated: 2025-09-26. Review status: criteria provided, single submitter. Criteria: Ambry Variant Classification Scheme 2023. Collection method: clinical testing. Allele origin: germline.